The following is an entry in ClinVar:

NM_004341.5(CAD):c.352+6G>A

Gene: CAD (carbamoyl-phosphate synthetase 2, aspartate transcarbamylase, and dihydroorotase; plus strand). Cytogenetic location: 2p23.3.
Variant type: single nucleotide variant.
Coding change: c.352+6G>A on transcript NM_004341.5 (MANE Select); 6 bases into the intron after coding-DNA position 352, G replaced by A.
Molecular consequence: intron variant.
Genome position (GRCh38, 1-based): chr2:27,221,353, G>A. VCF-style: chr2-27221353-G-A. GRCh37 (hg19) VCF-style: chr2-27444221-G-A.
Other names: c.352+6G>A (NM_001306079.2).
Identifiers: ClinVar variation 4809683 (VCV004809683.1).

ClinVar aggregate classification (germline): Uncertain significance (1 of 4 stars; one submission).

gnomAD v4.1: 11 of 1,558,620 alleles (0.00071%); highest among the groups gnomAD compares: South Asian, 0.011%; no homozygotes.

Submission:

Labcorp Genetics (formerly Invitae), Labcorp
Classification: Uncertain significance. Last evaluated: 2025-12-18. Review status: criteria provided, single submitter. Criteria: Invitae Variant Classification Sherloc (09022015). Collection method: clinical testing. Allele origin: germline.
Comment: This sequence change falls in intron 3 of the CAD gene. It does not directly change the encoded amino acid sequence of the CAD protein. It affects a nucleotide within the consensus splice site. This variant is present in population databases (rs760750002, gnomAD 0.01%). This variant has not been reported in the literature in individuals affected with CAD-related conditions. Variants that disrupt the consensus splice site are a relatively common cause of aberrant splicing (PMID: 17576681, 9536098). Algorithms developed to predict the effect of sequence changes on RNA splicing suggest that this variant is not likely to affect RNA splicing. In summary, the available evidence is currently insufficient to determine the role of this variant in disease. Therefore, it has been classified as a Variant of Uncertain Significance.

Literature cited by the submitters: PubMed 17576681; PubMed 9536098.